The following is an entry in ClinVar:

ClinVar aggregate classification (germline): Uncertain significance (1 of 4 stars; one submission).

Submission:

Labcorp Genetics (formerly Invitae), Labcorp
Classification: Uncertain significance. Last evaluated: 2023-12-01. Review status: criteria provided, single submitter. Criteria: Invitae Variant Classification Sherloc (09022015). Collection method: clinical testing. Allele origin: germline.
Comment: This sequence change replaces glycine, which is neutral and non-polar, with valine, which is neutral and non-polar, at codon 1511 of the HIVEP2 protein (p.Gly1511Val). This variant is not present in population databases (gnomAD no frequency). This variant has not been reported in the literature in individuals affected with HIVEP2-related conditions. Advanced modeling of protein sequence and biophysical properties (such as structural, functional, and spatial information, amino acid conservation, physicochemical variation, residue mobility, and thermodynamic stability) performed at Invitae indicates that this missense variant is not expected to disrupt HIVEP2 protein function with a negative predictive value of 80%. In summary, the available evidence is currently insufficient to determine the role of this variant in disease. Therefore, it has been classified as a Variant of Uncertain Significance.

NM_006734.4(HIVEP2):c.4532G>T (p.Gly1511Val)

Gene: HIVEP2 (HIVEP zinc finger 2; minus strand). Cytogenetic location: 6q24.2.
Variant type: single nucleotide variant.
Coding change: c.4532G>T on transcript NM_006734.4 (MANE Select); coding-DNA position 4532, G replaced by T.
Protein change: p.Gly1511Val; replaces glycine 1511 with valine.
Molecular consequence: missense variant.
Genome position (GRCh38, 1-based): chr6:142,770,207, C>A on the plus strand (G>T on the coding strand, the complement: HIVEP2 is on the minus strand). VCF-style: chr6-142770207-C-A. GRCh37 (hg19) VCF-style: chr6-143091344-C-A.
Other names: short protein forms G1511V.
Identifiers: ClinVar variation 2812869 (VCV002812869.3), dbSNP rs2114645999, ClinGen allele CA365899769.